The following is an entry in ClinVar:

ClinVar aggregate classification (germline): Uncertain significance. Review status: criteria provided, multiple submitters, no conflicts (2 of 4 stars). 2 submissions from 2 submitters: Uncertain significance (2). Last evaluated 2025-11-22.

Conditions:
Epidermolysis bullosa simplex, Ogna type (EBS5A). Also called: Pidermolysis bullosa simplex 5A, Ogna type; EPIDERMOLYSIS BULLOSA SIMPLEX 5A, OGNA TYPE. Identifiers: Orphanet 79401, MedGen C0432317, MONDO:0007555, OMIM 131950.
Epidermolysis bullosa simplex 5B, with muscular dystrophy (EBS5B). Also called: EPIDERMOLYSIS BULLOSA SIMPLEX AND LIMB-GIRDLE MUSCULAR DYSTROPHY; Epidermolysis bullosa simplex with muscular dystrophy. Identifiers: Orphanet 257, MedGen C2931072, MONDO:0009181, OMIM 226670.
Autosomal recessive limb-girdle muscular dystrophy type 2Q (LGMDR17). Also called: MUSCULAR DYSTROPHY, LIMB-GIRDLE, AUTOSOMAL RECESSIVE 17. Identifiers: Orphanet 254361, MedGen C3150989, MONDO:0013390, OMIM 613723.
Epidermolysis bullosa simplex with nail dystrophy (EBS5D). Identifiers: MedGen C4225309, MONDO:0014661, OMIM 616487.
Epidermolysis bullosa simplex 5C, with pyloric atresia (EBS5C). Also called: Epidermolysis bullosa simplex with pyloric atresia; PLEC-Related Epidermolysis Bullosa with Pyloric Atresia; PLEC1-Related Epidermolysis Bullosa with Pyloric Atresia. Identifiers: Orphanet 158684, MedGen C2677349, MONDO:0012807, OMIM 612138.

Submissions (2):

Labcorp Genetics (formerly Invitae), Labcorp
Classification: Uncertain significance for Autosomal recessive limb-girdle muscular dystrophy type 2Q; Epidermolysis bullosa simplex, Ogna type; Epidermolysis bullosa simplex with nail dystrophy; Epidermolysis bullosa simplex 5C, with pyloric atresia; Epidermolysis bullosa simplex 5B, with muscular dystrophy. Last evaluated: 2025-11-22. Review status: criteria provided, single submitter. Criteria: Invitae Variant Classification Sherloc (09022015). Collection method: clinical testing. Allele origin: germline.
Comment: This sequence change replaces lysine, which is basic and polar, with glutamic acid, which is acidic and polar, at codon 1915 of the PLEC protein (p.Lys1915Glu). This variant is not present in population databases (gnomAD no frequency). This variant has not been reported in the literature in individuals affected with PLEC-related conditions. Experimental studies and prediction algorithms are not available or were not evaluated, and the functional significance of this variant is currently unknown. In summary, the available evidence is currently insufficient to determine the role of this variant in disease. Therefore, it has been classified as a Variant of Uncertain Significance.

Mayo Clinic Laboratories, Mayo Clinic
Classification: Uncertain significance. Last evaluated: 2025-04-29. Review status: criteria provided, single submitter. Criteria: ACMG Guidelines, 2015. Collection method: clinical testing. Allele origin: germline. Observed: 1 variant allele.

NM_201384.3(PLEC):c.5662A>G (p.Lys1888Glu)

Gene: PLEC (plectin; minus strand). Cytogenetic location: 8q24.3.
Variant type: single nucleotide variant.
Coding change: c.5662A>G on transcript NM_201384.3 (MANE Select); coding-DNA position 5662, A replaced by G.
Protein change: p.Lys1888Glu; replaces lysine 1888 with glutamic acid.
Molecular consequence: missense variant. On other transcripts: intron variant (1).
Genome position (GRCh38, 1-based): chr8:143,924,267, T>C on the plus strand (A>G on the coding strand, the complement: PLEC is on the minus strand). VCF-style: chr8-143924267-T-C. GRCh37 (hg19) VCF-style: chr8-144998435-T-C.
Other names: p.Lys1915Glu; c.5743A>G, p.Lys1915Glu (NM_000445.5); c.5620A>G, p.Lys1874Glu (NM_201378.4); c.5596A>G, p.Lys1866Glu (NM_201379.3); c.6073A>G, p.Lys2025Glu (NM_201380.4); c.5566A>G, p.Lys1856Glu (NM_201381.3); c.5662A>G, p.Lys1888Glu (NM_201382.4); c.5674A>G, p.Lys1892Glu (NM_201383.3); and 1 more; short protein forms K1892E, K1915E, K1856E, K1874E, K2025E, K1866E, K1888E.
Identifiers: ClinVar variation 4541405 (VCV004541405.2).